The following is an entry in ClinVar:

ClinVar aggregate classification (germline): Uncertain significance. Review status: criteria provided, multiple submitters, no conflicts (2 of 4 stars). 2 submissions from 2 submitters: Uncertain significance (2). Last evaluated 2024-02-17.

Allele frequency attached by ClinVar (database versions not stated): gnomAD exomes below 0.00001.
gnomAD v4.1: 1 of 1,614,180 alleles (0.000062%); highest among the groups gnomAD compares: South Asian, 0.0011%; no homozygotes.

Submissions (2):

Labcorp Genetics (formerly Invitae), Labcorp
Classification: Uncertain significance. Last evaluated: 2024-02-17. Review status: criteria provided, single submitter. Criteria: Invitae Variant Classification Sherloc (09022015). Collection method: clinical testing. Allele origin: germline.
Comment: This sequence change replaces leucine, which is neutral and non-polar, with proline, which is neutral and non-polar, at codon 722 of the IMPG1 protein (p.Leu722Pro). This variant is not present in population databases (gnomAD no frequency). This variant has not been reported in the literature in individuals affected with IMPG1-related conditions. ClinVar contains an entry for this variant (Variation ID: 936062). Algorithms developed to predict the effect of missense changes on protein structure and function output the following: SIFT: "Not Available"; PolyPhen-2: "Benign"; Align-GVGD: "Not Available". The proline amino acid residue is found in multiple mammalian species, which suggests that this missense change does not adversely affect protein function. In summary, the available evidence is currently insufficient to determine the role of this variant in disease. Therefore, it has been classified as a Variant of Uncertain Significance.

Blueprint Genetics
Classification: Uncertain significance. Last evaluated: 2023-09-26. Review status: criteria provided, single submitter. Criteria: ACMG Guidelines, 2015. Collection method: clinical testing. Allele origin: germline.

NM_001563.4(IMPG1):c.2165T>C (p.Leu722Pro)

Gene: IMPG1 (interphotoreceptor matrix proteoglycan 1; minus strand). Cytogenetic location: 6q14.1.
Variant type: single nucleotide variant.
Coding change: c.2165T>C on transcript NM_001563.4 (MANE Select); coding-DNA position 2165, T replaced by C.
Protein change: p.Leu722Pro; replaces leucine 722 with proline.
Molecular consequence: missense variant.
Genome position (GRCh38, 1-based): chr6:75,931,031, A>G on the plus strand (T>C on the coding strand, the complement: IMPG1 is on the minus strand). VCF-style: chr6-75931031-A-G. GRCh37 (hg19) VCF-style: chr6-76640748-A-G.
Other names: c.1931T>C, p.Leu644Pro (NM_001282368.2); short protein forms L722P, L644P.
Identifiers: ClinVar variation 936062 (VCV000936062.10), dbSNP rs1781659462, ClinGen allele CA364769608.